The following is an entry in ClinVar:

ClinVar aggregate classification (germline): Uncertain significance (1 of 4 stars; one submission).

Submission:

Labcorp Genetics (formerly Invitae), Labcorp
Classification: Uncertain significance. Last evaluated: 2025-02-20. Review status: criteria provided, single submitter. Criteria: Invitae Variant Classification Sherloc (09022015). Collection method: clinical testing. Allele origin: germline.
Comment: This sequence change replaces tyrosine, which is neutral and polar, with cysteine, which is neutral and slightly polar, at codon 43 of the IRF2BP2 protein (p.Tyr43Cys). This variant is not present in population databases (gnomAD no frequency). This variant has not been reported in the literature in individuals affected with IRF2BP2-related conditions. An algorithm developed to predict the effect of missense changes on protein structure and function (PolyPhen-2) suggests that this variant is likely to be disruptive. In summary, the available evidence is currently insufficient to determine the role of this variant in disease. Therefore, it has been classified as a Variant of Uncertain Significance.

NM_182972.3(IRF2BP2):c.128A>G (p.Tyr43Cys)

Gene: IRF2BP2 (interferon regulatory factor 2 binding protein 2; minus strand). Cytogenetic location: 1q42.3.
Variant type: single nucleotide variant.
Coding change: c.128A>G on transcript NM_182972.3 (MANE Select); coding-DNA position 128, A replaced by G.
Protein change: p.Tyr43Cys; replaces tyrosine 43 with cysteine.
Molecular consequence: missense variant.
Genome position (GRCh38, 1-based): chr1:234,609,367, T>C on the plus strand (A>G on the coding strand, the complement: IRF2BP2 is on the minus strand). VCF-style: chr1-234609367-T-C. GRCh37 (hg19) VCF-style: chr1-234745113-T-C.
Other names: c.128A>G, p.Tyr43Cys (NM_001077397.1); short protein forms Y43C.
Identifiers: ClinVar variation 4713612 (VCV004713612.1).
Genomic context (GRCh38, chr1:234,609,367, plus strand): 5'-TGCGCCCGCTTGAGCTGCCGCGCCGTCTCGATGACGAACTCGACGCGGTCGGCGCCCTCG[T>C]AGTTGACGCAGCCGCGGCAGACGGGTTCGGTGAAGTCCCAGATCATGGCCCAGGGCATGC-3'
Protein context (NP_892017.2, residues 33-53): TEPVCRGCVN[Tyr43Cys]EGADRVEFVI